The following is an entry in ClinVar:

NM_000254.3(MTR):c.877A>G (p.Thr293Ala)

Gene: MTR (5-methyltetrahydrofolate-homocysteine methyltransferase; plus strand). Cytogenetic location: 1q43.
Variant type: single nucleotide variant.
Coding change: c.877A>G on transcript NM_000254.3 (MANE Select); coding-DNA position 877, A replaced by G.
Protein change: p.Thr293Ala; replaces threonine 293 with alanine.
Molecular consequence: missense variant. On other transcripts: 5 prime UTR variant (1).
Genome position (GRCh38, 1-based): chr1:236,825,349, A>G. VCF-style: chr1-236825349-A-G. GRCh37 (hg19) VCF-style: chr1-236988649-A-G.
Other names: c.877A>G, p.Thr293Ala (NM_001291939.1); c.-232A>G (NM_001291940.2); short protein forms T293A.
Identifiers: ClinVar variation 1361358 (VCV001361358.5), dbSNP rs2103101092, ClinGen allele CA345389408.
Genomic context (GRCh38, chr1:236,825,349, plus strand): 5'-GTATATTTTTAAGGCAATTTGCAATAATGGTTGAATTATCCTTTCTCAGGTCTTCCCAAC[A>G]CCTTTGGTGACTATGATGAAACGCCTTCTATGATGGCCAAGCACCTAAAGGTCAGGGGTC-3'
Protein context (NP_000245.2, residues 283-303): LCYPNAGLPN[Thr293Ala]FGDYDETPSM

ClinVar aggregate classification (germline): Uncertain significance (1 of 4 stars; one submission).

Conditions:
Methylcobalamin deficiency type cblG (HMAG). Also called: HOMOCYSTINURIA-MEGALOBLASTIC ANEMIA, cblG COMPLEMENTATION TYPE; HOMOCYSTINURIA-MEGALOBLASTIC ANEMIA, cblG TYPE; HOMOCYSTINURIA-MEGALOBLASTIC ANEMIA DUE TO DEFECT IN COBALAMIN METABOLISM, cblG COMPLEMENTATION TYPE; Functional methionine synthase deficiency type cblG. Identifiers: Orphanet 2170, Orphanet 622, MedGen C1855128, MONDO:0009609, OMIM 250940.

Submission:

Labcorp Genetics (formerly Invitae), Labcorp
Classification: Uncertain significance for Methylcobalamin deficiency type cblG. Last evaluated: 2021-12-02. Review status: criteria provided, single submitter. Criteria: Invitae Variant Classification Sherloc (09022015). Collection method: clinical testing. Allele origin: germline.
Comment: This sequence change replaces threonine, which is neutral and polar, with alanine, which is neutral and non-polar, at codon 293 of the MTR protein (p.Thr293Ala). This variant is not present in population databases (gnomAD no frequency). This variant has not been reported in the literature in individuals affected with MTR-related conditions. Algorithms developed to predict the effect of missense changes on protein structure and function (SIFT, PolyPhen-2, Align-GVGD) all suggest that this variant is likely to be tolerated. In summary, the available evidence is currently insufficient to determine the role of this variant in disease. Therefore, it has been classified as a Variant of Uncertain Significance.